The following is an entry in ClinVar:

ClinVar aggregate classification (germline): Uncertain significance (1 of 4 stars; one submission).

Conditions:
T-B+ severe combined immunodeficiency due to JAK3 deficiency. Also called: SCID, autosomal recessive, T-negative/B-positive type; SCID, T CELL-NEGATIVE, B CELL-POSITIVE, NK CELL-NEGATIVE. Identifiers: Orphanet 35078, MedGen C1833275, MONDO:0010938, OMIM 600802.

gnomAD v4.1: 1 of 1,614,220 alleles (0.000062%); highest among the groups gnomAD compares: South Asian, 0.0011%; no homozygotes.

Submission:

Labcorp Genetics (formerly Invitae), Labcorp
Classification: Uncertain significance for T-B+ severe combined immunodeficiency due to JAK3 deficiency. Last evaluated: 2022-07-15. Review status: criteria provided, single submitter. Criteria: Invitae Variant Classification Sherloc (09022015). Collection method: clinical testing. Allele origin: germline.
Comment: In summary, the available evidence is currently insufficient to determine the role of this variant in disease. Therefore, it has been classified as a Variant of Uncertain Significance. Advanced modeling of protein sequence and biophysical properties (such as structural, functional, and spatial information, amino acid conservation, physicochemical variation, residue mobility, and thermodynamic stability) performed at Invitae indicates that this missense variant is expected to disrupt JAK3 protein function. This variant has not been reported in the literature in individuals affected with JAK3-related conditions. This variant is present in population databases (no rsID available, gnomAD 0.003%). This sequence change replaces arginine, which is basic and polar, with proline, which is neutral and non-polar, at codon 870 of the JAK3 protein (p.Arg870Pro).

NM_000215.4(JAK3):c.2609G>C (p.Arg870Pro)

Gene: JAK3 (Janus kinase 3; minus strand). Cytogenetic location: 19p13.11.
Variant type: single nucleotide variant.
Coding change: c.2609G>C on transcript NM_000215.4 (MANE Select); coding-DNA position 2609, G replaced by C.
Protein change: p.Arg870Pro; replaces arginine 870 with proline.
Molecular consequence: missense variant.
Genome position (GRCh38, 1-based): chr19:17,832,590, C>G on the plus strand (G>C on the coding strand, the complement: JAK3 is on the minus strand). VCF-style: chr19-17832590-C-G. GRCh37 (hg19) VCF-style: chr19-17943399-C-G.
Other names: short protein forms R870P.
Identifiers: ClinVar variation 1714627 (VCV001714627.5), dbSNP rs376945173, ClinGen allele CA404766267.